The following is an entry in ClinVar:

ClinVar aggregate classification (germline): Conflicting classifications of pathogenicity. Review status: criteria provided, conflicting classifications (1 of 4 stars). 2 submissions from 2 submitters: Pathogenic (1); Uncertain significance (1). Last evaluated 2025-11-29.

Submissions (2):

GeneDx
Classification: Pathogenic. Last evaluated: 2025-11-29. Review status: criteria provided, single submitter. Criteria: GeneDx Variant Classification Process June 2021. Collection method: clinical testing. Allele origin: germline. Affected: yes.
Comment: In silico analysis supports that this missense variant has a deleterious effect on protein structure/function; Not observed at significant frequency in large population cohorts (gnomAD); This variant is associated with the following publications: (PMID: 39348199)

Blueprint Genetics
Classification: Uncertain significance. Last evaluated: 2021-07-12. Review status: criteria provided, single submitter. Criteria: ACMG Guidelines, 2015. Collection method: clinical testing. Allele origin: germline.

NM_018082.6(POLR3B):c.1373A>C (p.Gln458Pro)

Gene: POLR3B (RNA polymerase III subunit B; plus strand). Cytogenetic location: 12q23.3.
Variant type: single nucleotide variant.
Coding change: c.1373A>C on transcript NM_018082.6 (MANE Select); coding-DNA position 1373, A replaced by C.
Protein change: p.Gln458Pro; replaces glutamine 458 with proline.
Molecular consequence: missense variant.
Genome position (GRCh38, 1-based): chr12:106,430,382, A>C. VCF-style: chr12-106430382-A-C. GRCh37 (hg19) VCF-style: chr12-106824160-A-C.
Other names: c.1199A>C, p.Gln400Pro (NM_001160708.2); short protein forms Q400P, Q458P.
Identifiers: ClinVar variation 1190591 (VCV001190591.6), dbSNP rs2137002084, ClinGen allele CA386389145.